The following is an entry in ClinVar:

ClinVar aggregate classification (germline): Uncertain significance. Review status: criteria provided, multiple submitters, no conflicts (2 of 4 stars). 3 submissions from 3 submitters: Uncertain significance (3). Last evaluated 2024-12-17.

Conditions:
Inborn genetic diseases. Identifiers: MedGen C0950123, MeSH D030342.

Allele frequency attached by ClinVar (database versions not stated): gnomAD exomes 0.00003 and 0.00005; ExAC 0.00007; gnomAD 0.00011; TOPMed 0.00012; 1000 Genomes Project 30x 0.00016; 1000 Genomes Project 0.00020; ESP Exome Variant Server 0.00023.

Submissions (3):

Ambry Genetics
Classification: Uncertain significance for Inborn genetic diseases. Last evaluated: 2024-12-17. Review status: criteria provided, single submitter. Criteria: Ambry Variant Classification Scheme 2023. Collection method: clinical testing. Allele origin: germline.

Blueprint Genetics
Classification: Uncertain significance. Last evaluated: 2024-09-13. Review status: criteria provided, single submitter. Criteria: ACMG Guidelines, 2015. Collection method: clinical testing. Allele origin: germline.

Labcorp Genetics (formerly Invitae), Labcorp
Classification: Uncertain significance. Last evaluated: 2022-10-17. Review status: criteria provided, single submitter. Criteria: Invitae Variant Classification Sherloc (09022015). Collection method: clinical testing. Allele origin: germline.
Comment: This sequence change replaces proline, which is neutral and non-polar, with serine, which is neutral and polar, at codon 163 of the SLC38A8 protein (p.Pro163Ser). This variant is present in population databases (rs140156403, gnomAD 0.06%). This variant has not been reported in the literature in individuals affected with SLC38A8-related conditions. ClinVar contains an entry for this variant (Variation ID: 1447670). Advanced modeling of protein sequence and biophysical properties (such as structural, functional, and spatial information, amino acid conservation, physicochemical variation, residue mobility, and thermodynamic stability) performed at Invitae indicates that this missense variant is not expected to disrupt SLC38A8 protein function. In summary, the available evidence is currently insufficient to determine the role of this variant in disease. Therefore, it has been classified as a Variant of Uncertain Significance.

NM_001080442.3(SLC38A8):c.487C>T (p.Pro163Ser)

Gene: SLC38A8 (solute carrier family 38 member 8; minus strand). Cytogenetic location: 16q23.3.
Variant type: single nucleotide variant.
Coding change: c.487C>T on transcript NM_001080442.3 (MANE Select); coding-DNA position 487, C replaced by T.
Protein change: p.Pro163Ser; replaces proline 163 with serine.
Molecular consequence: missense variant.
Genome position (GRCh38, 1-based): chr16:84,033,371, G>A on the plus strand (C>T on the coding strand, the complement: SLC38A8 is on the minus strand). VCF-style: chr16-84033371-G-A. GRCh37 (hg19) VCF-style: chr16-84066976-G-A.
Other names: c.487C>T (NM_001080442.1); short protein forms P163S.
Identifiers: ClinVar variation 1447670 (VCV001447670.8), dbSNP rs140156403, ClinGen allele CA8200267.